The following is an entry in ClinVar:

ClinVar aggregate classification (germline): Uncertain significance (1 of 4 stars; one submission).

Allele frequency attached by ClinVar (database versions not stated): gnomAD exomes below 0.00001; TOPMed below 0.00001; gnomAD 0.00001.
gnomAD v4.1: 2 of 1,577,464 alleles (0.00013%); highest among the groups gnomAD compares: African/African-American, 0.0013%; no homozygotes.

Submission:

Labcorp Genetics (formerly Invitae), Labcorp
Classification: Uncertain significance. Last evaluated: 2022-07-23. Review status: criteria provided, single submitter. Criteria: Invitae Variant Classification Sherloc (09022015). Collection method: clinical testing. Allele origin: germline.
Comment: In summary, the available evidence is currently insufficient to determine the role of this variant in disease. Therefore, it has been classified as a Variant of Uncertain Significance. This sequence change replaces glutamic acid, which is acidic and polar, with glycine, which is neutral and non-polar, at codon 950 of the AUTS2 protein (p.Glu950Gly). The frequency data for this variant in the population databases is considered unreliable, as metrics indicate poor data quality at this position in the gnomAD database. This variant has not been reported in the literature in individuals affected with AUTS2-related conditions. Algorithms developed to predict the effect of missense changes on protein structure and function are either unavailable or do not agree on the potential impact of this missense change (SIFT: "Deleterious"; PolyPhen-2: "Benign"; Align-GVGD: "Class C15").

NM_015570.4(AUTS2):c.2849A>G (p.Glu950Gly)

Gene: AUTS2 (activator of transcription and developmental regulator AUTS2; plus strand). Cytogenetic location: 7q11.22.
Variant type: single nucleotide variant.
Coding change: c.2849A>G on transcript NM_015570.4 (MANE Select); coding-DNA position 2849, A replaced by G.
Protein change: p.Glu950Gly; replaces glutamic acid 950 with glycine.
Molecular consequence: missense variant.
Genome position (GRCh38, 1-based): chr7:70,790,065, A>G. VCF-style: chr7-70790065-A-G. GRCh37 (hg19) VCF-style: chr7-70255051-A-G.
Other names: c.2777A>G, p.Glu926Gly (NM_001127231.3); short protein forms E926G, E950G.
Identifiers: ClinVar variation 1713461 (VCV001713461.5), dbSNP rs1412887933, ClinGen allele CA367664953.